The following is an entry in ClinVar:

NM_000059.4(BRCA2):c.6264T>C (p.Thr2088=)

Gene: BRCA2 (BRCA2 DNA repair associated; plus strand). Cytogenetic location: 13q13.1.
Variant type: single nucleotide variant.
Coding change: c.6264T>C on transcript NM_000059.4 (MANE Select); coding-DNA position 6264, T replaced by C.
Protein change: p.Thr2088=; no amino-acid change (threonine 2088 retained).
Molecular consequence: synonymous variant.
Genome position (GRCh38, 1-based): chr13:32,340,619, T>C. VCF-style: chr13-32340619-T-C. GRCh37 (hg19) VCF-style: chr13-32914756-T-C.
Identifiers: ClinVar variation 219757 (VCV000219757.28), dbSNP rs750651726, ClinGen allele CA348172.

ClinVar aggregate classification (germline): Likely benign. Review status: reviewed by expert panel (3 of 4 stars). 13 submissions from 13 submitters: Likely benign (1). 12 of the submissions do not count toward it. Last evaluated 2017-06-29.

Conditions:
Hereditary breast ovarian cancer syndrome. Also called: Hereditary breast and ovarian cancer syndrome; Breast and ovarian cancer; Hereditary breast and ovarian cancer; Hereditary breast and ovarian cancer syndrome (HBOC); BRCA1- and BRCA2-Associated Hereditary Breast and Ovarian Cancer; Hereditary breast and/or ovarian cancer syndrome. Identifiers: Orphanet 145, MedGen C0677776, MeSH D061325, MONDO:0003582. Disease mechanism: loss of function.
Breast-ovarian cancer, familial, susceptibility to, 2 (BROVCA2). Also called: BRCA2 Hereditary Breast and Ovarian Cancer. Identifiers: Orphanet 145, MedGen C2675520, MONDO:0012933, OMIM 612555. Disease mechanism: loss of function.
Familial cancer of breast. Also called: hereditary breast carcinoma; BREAST CANCER, FAMILIAL; Hereditary breast cancer. Identifiers: Orphanet 227535, MedGen C0346153, MONDO:0016419, OMIM 114480. Disease mechanism: loss of function.
Fanconi anemia complementation group D1. Also called: BRCA2-Related Fanconi Anemia. Identifiers: Orphanet 319462, MedGen C1838457, MONDO:0011584, OMIM 605724.
Medulloblastoma (MDB). Also called: MEDULLOBLASTOMA PREDISPOSITION SYNDROME; Medulloblastoma, somatic. Identifiers: Orphanet 616, MedGen C0025149, MeSH D008527, MONDO:0007959, OMIM 155255, HP:0002885.
Prostate cancer. Also called: Malignant tumor of prostate. Identifiers: Orphanet 1331, MedGen C0376358, MONDO:0008315, HP:0012125.
Wilms tumor 1 (WT1). Also called: Wilms tumor, somatic. Identifiers: Orphanet 654, MedGen CN033288, MONDO:0008679, OMIM 194070.
Pancreatic cancer, susceptibility to, 2. Identifiers: Orphanet 1333, MedGen C3150546, MONDO:0013235, OMIM 613347.
Glioma susceptibility 3 (GLM3). Also called: Glioblastoma 3. Identifiers: Orphanet 182067, Orphanet 360, MedGen C2751641, MONDO:0013093, OMIM 613029.
Hereditary cancer-predisposing syndrome. Also called: Hereditary neoplastic syndrome; Hereditary Cancer Syndrome; Neoplastic Syndromes, Hereditary; Tumor predisposition. Identifiers: Orphanet 140162, MedGen C0027672, MeSH D009386, MONDO:0015356.

Allele frequency attached by ClinVar (database versions not stated): gnomAD exomes 0.00003 and 0.00006; ExAC 0.00007; gnomAD 0.00001.
gnomAD v4.1: 48 of 1,607,372 alleles (0.003%); highest among the groups gnomAD compares: South Asian, 0.031%; 2 homozygotes.

Submissions (13):

Evidence-based Network for the Interpretation of Germline Mutant Alleles (ENIGMA)
Classification: Likely benign for Breast-ovarian cancer, familial, susceptibility to, 2. Last evaluated: 2017-06-29. Review status: reviewed by expert panel. Criteria: ENIGMA BRCA1/2 Classification Criteria (2017-06-29). Collection method: curation. Allele origin: germline.
Comment: Synonymous substitution variant, with low bioinformatic likelihood to result in a splicing aberration (Splicing prior probability 0.02).

Labcorp Genetics (formerly Invitae), Labcorp
Classification: Likely benign for Hereditary breast ovarian cancer syndrome. Last evaluated: 2025-12-13. Review status: criteria provided, single submitter. Criteria: Invitae Variant Classification Sherloc (09022015). Collection method: clinical testing. Allele origin: germline. Not counted in ClinVar's aggregate classification.

KCCC/NGS Laboratory, Kuwait Cancer Control Center
Classification: Benign for Familial cancer of breast. Last evaluated: 2025-02-01. Review status: criteria provided, single submitter. Criteria: ACMG Guidelines, 2015. Collection method: clinical testing. Allele origin: germline. Affected: no. Not counted in ClinVar's aggregate classification.

All of Us Research Program, National Institutes of Health
Classification: Likely benign for Breast-ovarian cancer, familial, susceptibility to, 2. Last evaluated: 2023-11-30. Review status: criteria provided, single submitter. Criteria: ACMG Guidelines, 2015. Collection method: clinical testing. Allele origin: germline. Inheritance: Autosomal dominant inheritance. Observed: 3 variant alleles, 3 heterozygotes. Not counted in ClinVar's aggregate classification.
Comment: This study involves interpretation of variants in research participants for the purpose of population health screening. Participant phenotype was not available at the time of variant classification. Additional details can be found in publication PMID: 35346344, PMCID: PMC8962531

Blueprint Genetics
Classification: Likely benign. Last evaluated: 2023-03-15. Review status: criteria provided, single submitter. Criteria: ACMG Guidelines, 2015. Collection method: clinical testing. Allele origin: germline. Not counted in ClinVar's aggregate classification.

Fulgent Genetics
Classification: Likely benign for Familial cancer of breast; Medulloblastoma; Familial prostate cancer; Wilms tumor 1; Fanconi anemia complementation group D1; Breast-ovarian cancer, familial, susceptibility to, 2; Glioma susceptibility 3; Pancreatic cancer, susceptibility to, 2. Last evaluated: 2022-03-22. Review status: criteria provided, single submitter. Criteria: ACMG Guidelines, 2015. Collection method: clinical testing. Allele origin: unknown. Not counted in ClinVar's aggregate classification.

Quest Diagnostics Nichols Institute San Juan Capistrano
Classification: Likely benign. Last evaluated: 2020-09-24. Review status: criteria provided, single submitter. Criteria: Quest Diagnostics criteria. Collection method: clinical testing. Allele origin: unknown. Not counted in ClinVar's aggregate classification.

GeneDx
Classification: Likely benign. Last evaluated: 2020-09-16. Review status: criteria provided, single submitter. Criteria: GeneDx Variant Classification Process June 2021. Collection method: clinical testing. Allele origin: germline. Affected: yes. Not counted in ClinVar's aggregate classification.
Comment: This variant is associated with the following publications: (PMID: 18844490, 22366370)

Women's Health and Genetics/Laboratory Corporation of America, LabCorp
Classification: Likely benign. Last evaluated: 2019-09-20. Review status: criteria provided, single submitter. Criteria: LabCorp Variant Classification Summary - May 2015. Collection method: clinical testing. Allele origin: germline. Not counted in ClinVar's aggregate classification.

Ambry Genetics
Classification: Likely benign for Hereditary cancer-predisposing syndrome. Last evaluated: 2015-10-15. Review status: criteria provided, single submitter. Criteria: Ambry Variant Classification Scheme 2023. Collection method: clinical testing. Allele origin: germline. Not counted in ClinVar's aggregate classification.

Color Diagnostics, LLC DBA Color Health
Classification: Likely benign for Hereditary cancer-predisposing syndrome. Last evaluated: 2015-07-22. Review status: criteria provided, single submitter. Criteria: ACMG Guidelines, 2015. Collection method: clinical testing. Allele origin: germline. Not counted in ClinVar's aggregate classification.

BRCAlab, Lund University
Classification: Likely benign for Breast-ovarian cancer, familial, susceptibility to, 2. Last evaluated: 2020-03-02. Review status: no assertion criteria provided. Collection method: clinical testing. Allele origin: germline. Affected: yes. Not counted in ClinVar's aggregate classification.

Department of Pathology and Laboratory Medicine, Sinai Health System
Classification: Likely benign. Review status: no assertion criteria provided. Collection method: clinical testing. Allele origin: unknown. Affected: yes. Observed: 1 variant allele. Study: The Canadian Open Genetics Repository (COGR). Not counted in ClinVar's aggregate classification.
Comment: The p.Thr2088Thr variant is not expected to have clinical significance because it does not result in a change of amino acid and is not located in a known consensus splice site. This variant was identified in the literature by Cvok (2008) in 2 of 115 healthy elderly Croatian women with no family history of cancer. The variant was not identified in any of the databases searched, including dbSNP, UMD, the NHLBI Exome Sequencing Project (Exome Variant Server), HGMD, LOVD, COSMIC, or the BIC database. In silico or computational prediction software programs (SpliceSiteFinder, MaxEntScan, NNSPLICE, GeneSplicer, HumanSpliceFinder) do not predict a difference in splicing; though Cvok (2008) found that an additional program, ESEfinder 3.0, predicted a potential change in splicing motifs. However, these in silico predictions are not very predictive of pathogenicity. In summary, based on the above information, the clinical significance of this variant cannot be determined with certainty at this time although we would lean towards a more benign role for this variant. This variant is classified as predicted benign.

Literature cited by the submitters: PubMed 22366370 (cited by Quest Diagnostics Nichols Institute San Juan Capistrano and Women's Health and Genetics/Laboratory Corporation of America, LabCorp); PubMed 18844490 (cited by Quest Diagnostics Nichols Institute San Juan Capistrano and Women's Health and Genetics/Laboratory Corporation of America, LabCorp); PubMed 25556971 (cited by Quest Diagnostics Nichols Institute San Juan Capistrano and Women's Health and Genetics/Laboratory Corporation of America, LabCorp).